The following is an entry in ClinVar:

NM_173660.5(DOK7):c.887A>G (p.Gln296Arg)

Gene: DOK7 (docking protein 7; plus strand). Cytogenetic location: 4p16.3.
Variant type: single nucleotide variant.
Coding change: c.887A>G on transcript NM_173660.5 (MANE Select); coding-DNA position 887, A replaced by G.
Protein change: p.Gln296Arg; replaces glutamine 296 with arginine.
Molecular consequence: missense variant. On other transcripts: 3 prime UTR variant (1), 5 prime UTR variant (1).
Genome position (GRCh38, 1-based): chr4:3,492,873, A>G. VCF-style: chr4-3492873-A-G. GRCh37 (hg19) VCF-style: chr4-3494600-A-G.
Other names: c.*108A>G (NM_001164673.2); c.-44A>G (NM_001256896.2); c.887A>G, p.Gln296Arg (NM_001301071.2); c.455A>G, p.Gln152Arg (NM_001363811.2); short protein forms Q296R, Q152R.
Identifiers: ClinVar variation 128916 (VCV000128916.23), dbSNP rs6811423, ClinGen allele CA152611.

ClinVar aggregate classification (germline): Benign/Likely benign. Review status: criteria provided, multiple submitters, no conflicts (2 of 4 stars). 9 submissions from 9 submitters: Benign (7); Likely benign (2). Last evaluated 2026-04-13.

Conditions:
Fetal akinesia deformation sequence 1 (FADS1). Also called: Pena-Shokeir syndrome type I; Fetal akinesia sequence. Identifiers: Orphanet 994, MedGen C1276035, MONDO:0100101, OMIM 208150, HP:0001989.
Congenital myasthenic syndrome 10. Also called: Myasthenia, limb-girdle, familial. Identifiers: Orphanet 590, MedGen C1850792, MONDO:0009690, OMIM 254300.

Allele frequency attached by ClinVar (database versions not stated): ESP Exome Variant Server 0.15552; TOPMed 0.16668; gnomAD 0.18249 and 0.18792; 1000 Genomes Project 30x 0.20487; 1000 Genomes Project 0.21805; gnomAD exomes 0.23087; ExAC 0.26850.
gnomAD v4.1: 347,134 of 1,604,490 alleles (22%); highest among the groups gnomAD compares: East Asian, 51%; 41,728 homozygotes.

Submissions (9):

Women's Health and Genetics/Laboratory Corporation of America, LabCorp
Classification: Likely benign. Last evaluated: 2026-04-13. Review status: criteria provided, single submitter. Criteria: LabCorp Variant Classification Summary - May 2015. Collection method: clinical testing. Allele origin: germline.

Labcorp Genetics (formerly Invitae), Labcorp
Classification: Benign for Congenital myasthenic syndrome 10; Fetal akinesia deformation sequence 1. Last evaluated: 2026-02-04. Review status: criteria provided, single submitter. Criteria: Invitae Variant Classification Sherloc (09022015). Collection method: clinical testing. Allele origin: germline.

Blueprint Genetics
Classification: Likely benign. Last evaluated: 2024-11-26. Review status: criteria provided, single submitter. Criteria: ACMG Guidelines, 2015. Collection method: clinical testing. Allele origin: germline.

Mayo Clinic Laboratories, Mayo Clinic
Classification: Benign. Last evaluated: 2017-07-24. Review status: criteria provided, single submitter. Criteria: ACMG Guidelines, 2015. Collection method: clinical testing. Allele origin: germline. Observed: 157 variant alleles.

GeneDx
Classification: Benign. Last evaluated: 2016-02-19. Review status: criteria provided, single submitter. Criteria: GeneDx Variant Classification (06012015). Collection method: clinical testing. Allele origin: germline. Affected: yes.
Comment: This variant is considered likely benign or benign based on one or more of the following criteria: it is a conservative change, it occurs at a poorly conserved position in the protein, it is predicted to be benign by multiple in silico algorithms, and/or has population frequency not consistent with disease.

Eurofins Ntd Llc (ga)
Classification: Benign. Last evaluated: 2014-11-21. Review status: criteria provided, single submitter. Criteria: EGL Classification Definitions 2015. Collection method: clinical testing. Allele origin: germline. Observed: 3 variant alleles, 1 heterozygote, 2 homozygotes.

Genetic Services Laboratory, University of Chicago
Classification: Benign for AllHighlyPenetrant. Last evaluated: 2013-08-15. Review status: criteria provided, single submitter. Criteria: ACMG Guidelines, 2007. Collection method: clinical testing. Allele origin: germline. Inheritance: Autosomal recessive inheritance.

Breakthrough Genomics
Classification: Benign. Review status: criteria provided, single submitter. Criteria: ACMG Guidelines, 2015. Collection method: not provided. Allele origin: germline. Inheritance: Autosomal recessive inheritance. Affected: yes.

PreventionGenetics, part of Exact Sciences
Classification: Benign. Review status: criteria provided, single submitter. Criteria: ACMG Guidelines, 2015. Collection method: clinical testing. Allele origin: germline.